The following is an entry in ClinVar:

ClinVar aggregate classification (germline): Benign/Likely benign. Review status: criteria provided, multiple submitters, no conflicts (2 of 4 stars). 2 submissions from 2 submitters: Benign (1); Likely benign (1). Last evaluated 2026-02-01.

Allele frequency attached by ClinVar (database versions not stated): gnomAD exomes 0.00070 and 0.00049; 1000 Genomes Project 0.00020; ESP Exome Variant Server 0.00039; gnomAD 0.00044 and 0.00045; ExAC 0.00052; TOPMed 0.00055; 1000 Genomes Project 30x 0.00062.
gnomAD v4.1: 1,068 of 1,613,596 alleles (0.066%); highest among the groups gnomAD compares: Non-Finnish European, 0.083%; no homozygotes.

Submissions (2):

CeGaT Center for Human Genetics Tuebingen
Classification: Likely benign. Last evaluated: 2026-02-01. Review status: criteria provided, single submitter. Criteria: CeGaT Center For Human Genetics Tuebingen Variant Classification Criteria Version 2. Collection method: clinical testing. Allele origin: germline. Affected: yes. Observed: 5 variant alleles.
Comment: SIN3A: BP4, BP7

Labcorp Genetics (formerly Invitae), Labcorp
Classification: Benign. Last evaluated: 2026-01-16. Review status: criteria provided, single submitter. Criteria: Invitae Variant Classification Sherloc (09022015). Collection method: clinical testing. Allele origin: germline.

NM_001145358.2(SIN3A):c.3093G>A (p.Gly1031=)

Gene: SIN3A (SIN3 transcription regulator family member A; minus strand). Cytogenetic location: 15q24.2.
Variant type: single nucleotide variant.
Coding change: c.3093G>A on transcript NM_001145358.2 (MANE Select); coding-DNA position 3093, G replaced by A.
Protein change: p.Gly1031=; no amino-acid change (glycine 1031 retained).
Molecular consequence: synonymous variant.
Genome position (GRCh38, 1-based): chr15:75,384,366, C>T on the plus strand (G>A on the coding strand, the complement: SIN3A is on the minus strand). VCF-style: chr15-75384366-C-T. GRCh37 (hg19) VCF-style: chr15-75676707-C-T.
Other names: c.3093G>A, p.Gly1031= (NM_001145357.2, NM_015477.3).
Identifiers: ClinVar variation 741195 (VCV000741195.32), dbSNP rs140522414, ClinGen allele CA7667339.
Genomic context (GRCh38, chr15:75,384,366, plus strand): 5'-CTGATACGTTGACTCCAGGAGGCTCCTTGAGTTCTGTGTGTTCAGCTGGCCTCCGGTGGC[C>T]CCATTATTATTTTCTGCCAGGTAAAGGTCAGTCACCTGCACACAGATCTCATCACTCACG-3'
Protein context (NP_001138830.1, residues 1021-1041): TDLYLAENNN[Gly1031=]ATGGQLNTQN